The following is an entry in ClinVar:

NM_001267550.2(TTN):c.31922C>T (p.Pro10641Leu)

Gene: TTN (titin; minus strand). Cytogenetic location: 2q31.2.
Variant type: single nucleotide variant.
Coding change: c.31922C>T on transcript NM_001267550.2 (MANE Select); coding-DNA position 31922, C replaced by T.
Protein change: p.Pro10641Leu; replaces proline 10641 with leucine.
Molecular consequence: missense variant. On other transcripts: intron variant (3).
Genome position (GRCh38, 1-based): chr2:178,689,520, G>A on the plus strand (C>T on the coding strand, the complement: TTN is on the minus strand). VCF-style: chr2-178689520-G-A. GRCh37 (hg19) VCF-style: chr2-179554247-G-A.
Other names: p.Pro9397Leu; c.30971C>T, p.Pro10324Leu (NM_001256850.1); c.28190C>T, p.Pro9397Leu (NM_133378.4); c.13283-47203C>T (NM_003319.4); c.13859-47203C>T (NM_133437.4); c.13658-47203C>T (NM_133432.3); short protein forms P10641L, P9397L, P10324L.
Identifiers: ClinVar variation 404993 (VCV000404993.10), dbSNP rs773886361, ClinGen allele CA1998804.

ClinVar aggregate classification (germline): Uncertain significance. Review status: criteria provided, multiple submitters, no conflicts (2 of 4 stars). 5 submissions from 5 submitters: Uncertain significance (5). Last evaluated 2026-09-08.

Conditions:
TTN-related disorder. Also called: TTN-related disorders; TTN-related condition; TTN-related disease.
Autosomal recessive limb-girdle muscular dystrophy type 2J (LGMDR10). Also called: Limb-girdle muscular dystrophy, type 2J; MUSCULAR DYSTROPHY, LIMB-GIRDLE, AUTOSOMAL RECESSIVE 10. Identifiers: Orphanet 140922, MedGen C1837342, MONDO:0012127, OMIM 608807.
Dilated cardiomyopathy 1G (CMD1G). Identifiers: Orphanet 154, MedGen C1858763, MONDO:0011400, OMIM 604145.

Allele frequency attached by ClinVar (database versions not stated): ExAC 0.00003; gnomAD exomes 0.00003; gnomAD 0.00011 and 0.00014; TOPMed 0.00014.
gnomAD v4.1: 32 of 1,609,226 alleles (0.002%); highest among the groups gnomAD compares: African/African-American, 0.04%; no homozygotes.

Submissions (5):

PreventionGenetics, part of Exact Sciences
Classification: Uncertain significance for TTN-related condition. Last evaluated: 2026-09-08. Review status: criteria provided, single submitter. Criteria: ACMG Guidelines, 2015. Collection method: clinical testing. Allele origin: germline.
Comment: The TTN c.31922C>T variant is predicted to result in the amino acid substitution p.Pro10641Leu. To our knowledge, this variant has not been reported in the literature. This variant is reported in 0.059% of alleles in individuals of African descent in gnomAD. Although we suspect that this variant may be benign, at this time, the clinical significance of this variant is uncertain due to the absence of conclusive functional and genetic evidence.

ARUP Laboratories, Molecular Genetics and Genomics, ARUP Laboratories
Classification: Uncertain significance. Last evaluated: 2024-07-25. Review status: criteria provided, single submitter. Criteria: ARUP Molecular Germline Variant Investigation Process 2024. Collection method: clinical testing. Allele origin: germline.
Comment: The TTN c.31922C>T; p.Pro10641Leu variant (rs773886361; ClinVar Variation ID: 404993) is rare in the general population (<0.2% allele frequency in the Genome Aggregation Database) and has not been reported in the medical literature in association with dilated cardiomyopathy (DCM) or other TTN-related disease. The clinical relevance of rare missense variants in this gene, which are identified on average once per individual sequenced in affected populations (Herman 2012), is not well understood. Yet, evidence suggests that the vast majority of such missense variants do not contribute to the clinical outcome of DCM (Begay 2015). Thus, the clinical significance of the p.Pro10641Leu variant cannot be determined with certainty. References: Begay RL et al. Role of Titin Missense Variants in Dilated Cardiomyopathy. J Am Heart Assoc. 2015 Nov 13;4(11). PMID: 26567375. Herman DS et al. Truncations of titin causing dilated cardiomyopathy. N Engl J Med. 2012 Feb 16;366(7):619-28. PMID: 22335739. Linke WA and Hamdani N. Gigantic business: titin properties and function through thick and thin. Circ Res 2014; 114(6): 1052-1068. PMID: 24625729.

Mayo Clinic Laboratories, Mayo Clinic
Classification: Uncertain significance. Last evaluated: 2023-07-28. Review status: criteria provided, single submitter. Criteria: ACMG Guidelines, 2015. Collection method: clinical testing. Allele origin: germline. Observed: 1 variant allele.
Comment: BP4

Eurofins Ntd Llc (ga)
Classification: Uncertain significance. Last evaluated: 2018-06-01. Review status: criteria provided, single submitter. Criteria: EGL ClinVar v180209 classification definitions. Collection method: clinical testing. Allele origin: germline. Observed: 2 variant alleles, 2 heterozygotes.

Labcorp Genetics (formerly Invitae), Labcorp
Classification: Uncertain significance for Dilated cardiomyopathy 1G; Autosomal recessive limb-girdle muscular dystrophy type 2J. Last evaluated: 2017-09-12. Review status: criteria provided, single submitter. Criteria: Invitae Variant Classification Sherloc (09022015). Collection method: clinical testing. Allele origin: germline.